The following is an entry in ClinVar:

NM_005909.5(MAP1B):c.3074A>G (p.Lys1025Arg)

Gene: MAP1B (microtubule associated protein 1B; plus strand). Cytogenetic location: 5q13.2.
Variant type: single nucleotide variant.
Coding change: c.3074A>G on transcript NM_005909.5 (MANE Select); coding-DNA position 3074, A replaced by G.
Protein change: p.Lys1025Arg; replaces lysine 1025 with arginine.
Molecular consequence: missense variant.
Genome position (GRCh38, 1-based): chr5:72,196,429, A>G. VCF-style: chr5-72196429-A-G. GRCh37 (hg19) VCF-style: chr5-71492256-A-G.
Other names: c.2696A>G, p.Lys899Arg (NM_001324255.2); short protein forms K1025R, K899R.
Identifiers: ClinVar variation 3870022 (VCV003870022.5).

ClinVar aggregate classification (germline): Uncertain significance. Review status: criteria provided, multiple submitters, no conflicts (2 of 4 stars). 2 submissions from 2 submitters: Uncertain significance (2). Last evaluated 2026-01-01.

Conditions:
Inborn genetic diseases. Identifiers: MedGen C0950123, MeSH D030342.

gnomAD v4.1: 2 of 1,613,932 alleles (0.00012%); highest among the groups gnomAD compares: East Asian, 0.0045%; no homozygotes.

Submissions (2):

CeGaT Center for Human Genetics Tuebingen
Classification: Uncertain significance. Last evaluated: 2026-01-01. Review status: criteria provided, single submitter. Criteria: CeGaT Center For Human Genetics Tuebingen Variant Classification Criteria Version 2. Collection method: clinical testing. Allele origin: germline. Affected: yes. Observed: 1 variant allele.
Comment: MAP1B: PM2, BP4

Ambry Genetics
Classification: Uncertain significance for Inborn genetic diseases. Last evaluated: 2025-03-01. Review status: criteria provided, single submitter. Criteria: Ambry Variant Classification Scheme 2023. Collection method: clinical testing. Allele origin: germline.